The following is an entry in ClinVar:

NM_014946.4(SPAST):c.1300C>T (p.Gln434Ter)

Gene: SPAST (spastin; plus strand). Cytogenetic location: 2p22.3.
Variant type: single nucleotide variant.
Coding change: c.1300C>T on transcript NM_014946.4 (MANE Select); coding-DNA position 1300, C replaced by T.
Protein change: p.Gln434Ter; replaces glutamine 434 with a stop codon.
Molecular consequence: nonsense.
Genome position (GRCh38, 1-based): chr2:32,136,617, C>T. VCF-style: chr2-32136617-C-T. GRCh37 (hg19) VCF-style: chr2-32361686-C-T.
Other names: c.1297C>T, p.Gln433Ter (NM_001363823.2); c.1201C>T, p.Gln401Ter (NM_001363875.2); c.1204C>T, p.Gln402Ter (NM_001377959.1, NM_199436.2); short protein forms Q401*, Q434*, Q402*, Q433*.
Identifiers: ClinVar variation 2203042 (VCV002203042.4), dbSNP rs2465883152, ClinGen allele CA346502097.

ClinVar aggregate classification (germline): Pathogenic (1 of 4 stars; one submission).

Conditions:
Hereditary spastic paraplegia 4. Also called: Familial spastic paraplegia autosomal dominant 2; Spastic paraplegia 4, autosomal dominant; Spastic Paraplegia 4. Identifiers: Orphanet 100985, MedGen C1866855, MONDO:0008438, OMIM 182601.

Submission:

Labcorp Genetics (formerly Invitae), Labcorp
Classification: Pathogenic for Hereditary spastic paraplegia 4. Last evaluated: 2022-09-27. Review status: criteria provided, single submitter. Criteria: Invitae Variant Classification Sherloc (09022015). Collection method: clinical testing. Allele origin: germline.
Comment: For these reasons, this variant has been classified as Pathogenic. This variant is also known as G1425T. This premature translational stop signal has been observed in individual(s) with hereditary spastic paraplegia (PMID: 11843700). This variant is not present in population databases (gnomAD no frequency). This sequence change creates a premature translational stop signal (p.Gln434*) in the SPAST gene. It is expected to result in an absent or disrupted protein product. Loss-of-function variants in SPAST are known to be pathogenic (PMID: 20932283).

Literature cited by the submitters: PubMed 11843700; PubMed 20932283.